The following is an entry in ClinVar:

ClinVar aggregate classification (germline): Uncertain significance. Review status: criteria provided, multiple submitters, no conflicts (2 of 4 stars). 2 submissions from 2 submitters: Uncertain significance (2). Last evaluated 2024-07-16.

Conditions:
Epidermolysis bullosa simplex 5C, with pyloric atresia (EBS5C). Also called: PLEC1-Related Epidermolysis Bullosa with Pyloric Atresia; PLEC-Related Epidermolysis Bullosa with Pyloric Atresia; Epidermolysis bullosa simplex with pyloric atresia. Identifiers: Orphanet 158684, MedGen C2677349, MONDO:0012807, OMIM 612138.
Epidermolysis bullosa simplex 5B, with muscular dystrophy (EBS5B). Also called: EPIDERMOLYSIS BULLOSA SIMPLEX AND LIMB-GIRDLE MUSCULAR DYSTROPHY; Epidermolysis bullosa simplex with muscular dystrophy. Identifiers: Orphanet 257, MedGen C2931072, MONDO:0009181, OMIM 226670.
Epidermolysis bullosa simplex, Ogna type (EBS5A). Also called: Pidermolysis bullosa simplex 5A, Ogna type; EPIDERMOLYSIS BULLOSA SIMPLEX 5A, OGNA TYPE. Identifiers: Orphanet 79401, MedGen C0432317, MONDO:0007555, OMIM 131950.
Autosomal recessive limb-girdle muscular dystrophy type 2Q (LGMDR17). Also called: MUSCULAR DYSTROPHY, LIMB-GIRDLE, AUTOSOMAL RECESSIVE 17. Identifiers: Orphanet 254361, MedGen C3150989, MONDO:0013390, OMIM 613723.
Epidermolysis bullosa simplex with nail dystrophy (EBS5D). Identifiers: MedGen C4225309, MONDO:0014661, OMIM 616487.
Inborn genetic diseases. Identifiers: MedGen C0950123, MeSH D030342.

Submissions (2):

Labcorp Genetics (formerly Invitae), Labcorp
Classification: Uncertain significance for Autosomal recessive limb-girdle muscular dystrophy type 2Q; Epidermolysis bullosa simplex, Ogna type; Epidermolysis bullosa simplex with nail dystrophy; Epidermolysis bullosa simplex 5C, with pyloric atresia; Epidermolysis bullosa simplex 5B, with muscular dystrophy. Last evaluated: 2024-07-16. Review status: criteria provided, single submitter. Criteria: Invitae Variant Classification Sherloc (09022015). Collection method: clinical testing. Allele origin: germline.
Comment: This sequence change replaces alanine, which is neutral and non-polar, with glycine, which is neutral and non-polar, at codon 761 of the PLEC protein (p.Ala761Gly). This variant is not present in population databases (gnomAD no frequency). This variant has not been reported in the literature in individuals affected with PLEC-related conditions. Advanced modeling of protein sequence and biophysical properties (such as structural, functional, and spatial information, amino acid conservation, physicochemical variation, residue mobility, and thermodynamic stability) performed at Invitae indicates that this missense variant is not expected to disrupt PLEC protein function with a negative predictive value of 80%. In summary, the available evidence is currently insufficient to determine the role of this variant in disease. Therefore, it has been classified as a Variant of Uncertain Significance.

Ambry Genetics
Classification: Uncertain significance for Inborn genetic diseases. Last evaluated: 2023-12-13. Review status: criteria provided, single submitter. Criteria: Ambry Variant Classification Scheme 2023. Collection method: clinical testing. Allele origin: germline.

NM_201384.3(PLEC):c.2201C>G (p.Ala734Gly)

Gene: PLEC (plectin; minus strand). Cytogenetic location: 8q24.3.
Variant type: single nucleotide variant.
Coding change: c.2201C>G on transcript NM_201384.3 (MANE Select); coding-DNA position 2201, C replaced by G.
Protein change: p.Ala734Gly; replaces alanine 734 with glycine.
Molecular consequence: missense variant.
Genome position (GRCh38, 1-based): chr8:143,931,637, G>C on the plus strand (C>G on the coding strand, the complement: PLEC is on the minus strand). VCF-style: chr8-143931637-G-C. GRCh37 (hg19) VCF-style: chr8-145005805-G-C.
Other names: c.2282C>G, p.Ala761Gly (NM_000445.5, NM_001410941.1); c.2159C>G, p.Ala720Gly (NM_201378.4); c.2135C>G, p.Ala712Gly (NM_201379.3); c.2612C>G, p.Ala871Gly (NM_201380.4); c.2105C>G, p.Ala702Gly (NM_201381.3); c.2201C>G, p.Ala734Gly (NM_201382.4); c.2213C>G, p.Ala738Gly (NM_201383.3); short protein forms A712G, A734G, A761G, A738G, A702G, A720G, A871G.
Identifiers: ClinVar variation 3214692 (VCV003214692.3), dbSNP rs2538720494, ClinGen allele CA372576527.